The following is an entry in ClinVar:

ClinVar aggregate classification (germline): Uncertain significance. Review status: criteria provided, multiple submitters, no conflicts (2 of 4 stars). 2 submissions from 2 submitters: Uncertain significance (2). Last evaluated 2025-09-25.

Conditions:
Inborn genetic diseases. Identifiers: MedGen C0950123, MeSH D030342.
Spondylocostal dysostosis 3, autosomal recessive (SCDO3). Also called: LFNG-Related Spondylocostal Dysostosis, Autosomal Recessive. Identifiers: Orphanet 2311, MedGen C1853296, MONDO:0012349, OMIM 609813.

Allele frequency attached by ClinVar (database versions not stated): ExAC 0.00001; gnomAD exomes 0.00001; gnomAD 0.00002; TOPMed 0.00002.
gnomAD v4.1: 11 of 1,612,898 alleles (0.00068%); highest among the groups gnomAD compares: Non-Finnish European, 0.00093%; no homozygotes.

Submissions (2):

Ambry Genetics
Classification: Uncertain significance for Inborn genetic diseases. Last evaluated: 2025-09-25. Review status: criteria provided, single submitter. Criteria: Ambry Variant Classification Scheme 2023. Collection method: clinical testing. Allele origin: germline.

Labcorp Genetics (formerly Invitae), Labcorp
Classification: Uncertain significance for Spondylocostal dysostosis 3, autosomal recessive. Last evaluated: 2023-12-06. Review status: criteria provided, single submitter. Criteria: Invitae Variant Classification Sherloc (09022015). Collection method: clinical testing. Allele origin: germline.
Comment: This sequence change replaces glutamic acid, which is acidic and polar, with valine, which is neutral and non-polar, at codon 190 of the LFNG protein (p.Glu190Val). This variant is present in population databases (rs778565319, gnomAD 0.002%). This variant has not been reported in the literature in individuals affected with LFNG-related conditions. ClinVar contains an entry for this variant (Variation ID: 2062728). Advanced modeling of protein sequence and biophysical properties (such as structural, functional, and spatial information, amino acid conservation, physicochemical variation, residue mobility, and thermodynamic stability) performed at Invitae indicates that this missense variant is not expected to disrupt LFNG protein function with a negative predictive value of 80%. In summary, the available evidence is currently insufficient to determine the role of this variant in disease. Therefore, it has been classified as a Variant of Uncertain Significance.

NM_001040167.2(LFNG):c.569A>T (p.Glu190Val)

Gene: LFNG (LFNG O-fucosylpeptide 3-beta-N-acetylglucosaminyltransferase; plus strand). Cytogenetic location: 7p22.3.
Variant type: single nucleotide variant.
Coding change: c.569A>T on transcript NM_001040167.2 (MANE Select); coding-DNA position 569, A replaced by T.
Protein change: p.Glu190Val; replaces glutamic acid 190 with valine.
Molecular consequence: missense variant.
Genome position (GRCh38, 1-based): chr7:2,525,306, A>T. VCF-style: chr7-2525306-A-T. GRCh37 (hg19) VCF-style: chr7-2564940-A-T.
Other names: c.569A>T, p.Glu190Val (NM_001040168.2); c.356A>T, p.Glu119Val (NM_001166355.2); c.182A>T, p.Glu61Val (NM_002304.3); c.569A>T (NM_001040167.1); short protein forms E190V, E61V, E119V.
Identifiers: ClinVar variation 2062728 (VCV002062728.3), dbSNP rs778565319, ClinGen allele CA4127007.